The following is an entry in ClinVar:

ClinVar aggregate classification (germline): Uncertain significance (1 of 4 stars; one submission).

Allele frequency attached by ClinVar (database versions not stated): gnomAD exomes below 0.00001; gnomAD 0.00001; TOPMed 0.00001.
gnomAD v4.1: 3 of 1,609,442 alleles (0.00019%); highest among the groups gnomAD compares: African/African-American, 0.0041%; no homozygotes.

Submission:

Labcorp Genetics (formerly Invitae), Labcorp
Classification: Uncertain significance. Last evaluated: 2023-07-29. Review status: criteria provided, single submitter. Criteria: Invitae Variant Classification Sherloc (09022015). Collection method: clinical testing. Allele origin: germline.
Comment: In summary, the available evidence is currently insufficient to determine the role of this variant in disease. Therefore, it has been classified as a Variant of Uncertain Significance. Variants that disrupt the consensus splice site are a relatively common cause of aberrant splicing (PMID: 17576681, 9536098). Algorithms developed to predict the effect of sequence changes on RNA splicing suggest that this variant is not likely to affect RNA splicing. This sequence change falls in intron 5 of the GNA11 gene. It does not directly change the encoded amino acid sequence of the GNA11 protein. It affects a nucleotide within the consensus splice site. This variant is present in population databases (no rsID available, gnomAD 0.007%). This variant has not been reported in the literature in individuals affected with GNA11-related conditions.

Literature cited by the submitters: PubMed 17576681; PubMed 9536098.

NM_002067.5(GNA11):c.735+3G>A

Gene: GNA11 (G protein subunit alpha 11; plus strand). Cytogenetic location: 19p13.3.
Variant type: single nucleotide variant.
Coding change: c.735+3G>A on transcript NM_002067.5 (MANE Select); 3 bases into the intron after coding-DNA position 735, G replaced by A.
Molecular consequence: intron variant.
Genome position (GRCh38, 1-based): chr19:3,119,056, G>A. VCF-style: chr19-3119056-G-A. GRCh37 (hg19) VCF-style: chr19-3119054-G-A.
Identifiers: ClinVar variation 2987770 (VCV002987770.3), dbSNP rs1414142382, ClinGen allele CA505152625.